The following is an entry in ClinVar:

ClinVar aggregate classification (germline): Uncertain significance (1 of 4 stars; one submission).

Conditions:
Inborn genetic diseases. Identifiers: MedGen C0950123, MeSH D030342.

gnomAD v4.1: 1 of 1,614,112 alleles (0.000062%); highest among the groups gnomAD compares: Non-Finnish European, 0.000085%; no homozygotes.

Submission:

Ambry Genetics
Classification: Uncertain significance for Inborn genetic diseases. Last evaluated: 2025-12-04. Review status: criteria provided, single submitter. Criteria: Ambry Variant Classification Scheme 2023. Collection method: clinical testing. Allele origin: germline.
Comment: The p.A444T variant (also known as c.1330G>A), located in coding exon 12 of the AKT1 gene, results from a G to A substitution at nucleotide position 1330. The alanine at codon 444 is replaced by threonine, an amino acid with similar properties. This amino acid position is conserved. In addition, this alteration is predicted to be tolerated by in silico analysis. Based on the available evidence, the clinical significance of this variant remains unclear.

NM_001382430.1(AKT1):c.1330G>A (p.Ala444Thr)

Gene: AKT1 (AKT serine/threonine kinase 1; minus strand). Cytogenetic location: 14q32.33.
Variant type: single nucleotide variant.
Coding change: c.1330G>A on transcript NM_001382430.1 (MANE Select); coding-DNA position 1330, G replaced by A.
Protein change: p.Ala444Thr; replaces alanine 444 with threonine.
Molecular consequence: missense variant.
Genome position (GRCh38, 1-based): chr14:104,770,778, C>T on the plus strand (G>A on the coding strand, the complement: AKT1 is on the minus strand). VCF-style: chr14-104770778-C-T. GRCh37 (hg19) VCF-style: chr14-105237115-C-T.
Other names: c.1330G>A, p.Ala444Thr (NM_001014431.2, NM_001014432.2, NM_001382431.1 and 3 more transcripts); short protein forms A444T.
Identifiers: ClinVar variation 4574137 (VCV004574137.1).